The following is an entry in ClinVar:

ClinVar aggregate classification (germline): Uncertain significance (1 of 4 stars; one submission).

Submission:

Labcorp Genetics (formerly Invitae), Labcorp
Classification: Uncertain significance. Last evaluated: 2022-03-04. Review status: criteria provided, single submitter. Criteria: Invitae Variant Classification Sherloc (09022015). Collection method: clinical testing. Allele origin: germline.
Comment: This variant has not been reported in the literature in individuals affected with RLBP1-related conditions. In summary, the available evidence is currently insufficient to determine the role of this variant in disease. Therefore, it has been classified as a Variant of Uncertain Significance. Algorithms developed to predict the effect of sequence changes on RNA splicing suggest that this variant may disrupt the consensus splice site. Algorithms developed to predict the effect of missense changes on protein structure and function are either unavailable or do not agree on the potential impact of this missense change (SIFT: "Tolerated"; PolyPhen-2: "Possibly Damaging"; Align-GVGD: "Class C0"). This variant is not present in population databases (gnomAD no frequency). This sequence change replaces serine, which is neutral and polar, with threonine, which is neutral and polar, at codon 230 of the RLBP1 protein (p.Ser230Thr).

NM_000326.5(RLBP1):c.688T>A (p.Ser230Thr)

Gene: RLBP1 (retinaldehyde binding protein 1; minus strand). Cytogenetic location: 15q26.1.
Variant type: single nucleotide variant.
Coding change: c.688T>A on transcript NM_000326.5 (MANE Select); coding-DNA position 688, T replaced by A.
Protein change: p.Ser230Thr; replaces serine 230 with threonine.
Molecular consequence: missense variant.
Genome position (GRCh38, 1-based): chr15:89,210,806, A>T on the plus strand (T>A on the coding strand, the complement: RLBP1 is on the minus strand). VCF-style: chr15-89210806-A-T. GRCh37 (hg19) VCF-style: chr15-89754037-A-T.
Other names: short protein forms S230T.
Identifiers: ClinVar variation 2106446 (VCV002106446.4), dbSNP rs1351313234, ClinGen allele CA393728937.